The following is an entry in ClinVar:

NM_000130.5(F5):c.3961A>C (p.Ile1321Leu)

Gene: F5 (coagulation factor V; minus strand). Cytogenetic location: 1q24.2.
Variant type: single nucleotide variant.
Coding change: c.3961A>C on transcript NM_000130.5 (MANE Select); coding-DNA position 3961, A replaced by C.
Protein change: p.Ile1321Leu; replaces isoleucine 1321 with leucine.
Molecular consequence: missense variant.
Genome position (GRCh38, 1-based): chr1:169,541,129, T>G on the plus strand (A>C on the coding strand, the complement: F5 is on the minus strand). VCF-style: chr1-169541129-T-G. GRCh37 (hg19) VCF-style: chr1-169510367-T-G.
Other names: short protein forms I1321L.
Identifiers: ClinVar variation 875952 (VCV000875952.5), dbSNP rs112331368, ClinGen allele CA1233784.

ClinVar aggregate classification (germline): Uncertain significance. Review status: criteria provided, multiple submitters, no conflicts (2 of 4 stars). 4 submissions from 2 submitters: Uncertain significance (4). Last evaluated 2024-06-12.

Conditions:
Congenital factor V deficiency. Also called: Hereditary factor V deficiency disease; LABILE FACTOR DEFICIENCY; OWREN PARAHEMOPHILIA; PARAHEMOPHILIA. Identifiers: Orphanet 326, MedGen C0015499, MONDO:0009210, OMIM 227400.
Budd-Chiari syndrome (BDCHS). Also called: Hepatic vein obstruction. Identifiers: Orphanet 131, MedGen C0856761, MONDO:0010947, OMIM 600880, HP:0002639.
Factor V deficiency. Also called: Reduced coagulation factor V activity. Identifiers: Orphanet 326, MedGen C4317320, MONDO:0020586, HP:0003225.
Thrombophilia due to thrombin defect (THPH1). Also called: Prothrombin Thrombophilia; Thrombosis susceptibility; THROMBOPHILIA DUE TO FACTOR 2 DEFECT; Prothrombin-Related Thrombophilia (Factor II). Identifiers: MedGen C3160733, MONDO:0008559, OMIM 188050. Disease mechanism: gain of function, loss of function.

Submissions (4):

Labcorp Genetics (formerly Invitae), Labcorp
Classification: Uncertain significance for Congenital factor V deficiency. Last evaluated: 2024-06-12. Review status: criteria provided, single submitter. Criteria: Invitae Variant Classification Sherloc (09022015). Collection method: clinical testing. Allele origin: germline.
Comment: This sequence change replaces isoleucine, which is neutral and non-polar, with leucine, which is neutral and non-polar, at codon 1321 of the F5 protein (p.Ile1321Leu). The frequency data for this variant in the population databases is considered unreliable, as metrics indicate poor data quality at this position in the gnomAD database. This variant has not been reported in the literature in individuals affected with F5-related conditions. ClinVar contains an entry for this variant (Variation ID: 875952). Advanced modeling of protein sequence and biophysical properties (such as structural, functional, and spatial information, amino acid conservation, physicochemical variation, residue mobility, and thermodynamic stability) performed at Invitae indicates that this missense variant is not expected to disrupt F5 protein function with a negative predictive value of 80%. In summary, the available evidence is currently insufficient to determine the role of this variant in disease. Therefore, it has been classified as a Variant of Uncertain Significance.

Illumina Laboratory Services, Illumina
Classification: Uncertain significance for Congenital factor V deficiency. Last evaluated: 2018-01-12. Review status: criteria provided, single submitter. Criteria: ICSL Variant Classification Criteria 13 December 2019. Collection method: clinical testing. Allele origin: germline.

Illumina Laboratory Services, Illumina
Classification: Uncertain significance for Venous thrombosis. Last evaluated: 2018-01-12. Review status: criteria provided, single submitter. Criteria: ICSL Variant Classification Criteria 13 December 2019. Collection method: clinical testing. Allele origin: germline.

Illumina Laboratory Services, Illumina
Classification: Uncertain significance for Budd-Chiari syndrome. Last evaluated: 2018-01-12. Review status: criteria provided, single submitter. Criteria: ICSL Variant Classification Criteria 13 December 2019. Collection method: clinical testing. Allele origin: germline.